The following is an entry in ClinVar:

ClinVar aggregate classification (germline): Benign. Review status: criteria provided, multiple submitters, no conflicts (2 of 4 stars). 2 submissions from 2 submitters: Benign (2). Last evaluated 2018-01-13.

Conditions:
Aromatase deficiency. Also called: Increased aromatase activity; PSEUDOHERMAPHRODITISM, FEMALE, DUE TO PLACENTAL AROMATASE DEFICIENCY. Identifiers: Orphanet 91, MedGen C1960539, MONDO:0013301, OMIM 613546.

Allele frequency attached by ClinVar (database versions not stated): TOPMed 0.23437; gnomAD 0.23681 and 0.23844; 1000 Genomes Project 30x 0.25593; 1000 Genomes Project 0.25699.

Submissions (2):

Illumina Laboratory Services, Illumina
Classification: Benign for Aromatase deficiency. Last evaluated: 2018-01-13. Review status: criteria provided, single submitter. Criteria: ICSL Variant Classification Criteria 13 December 2019. Collection method: clinical testing. Allele origin: germline.
Comment: This variant was observed in the ICSL laboratory as part of a predisposition screen in an ostensibly healthy population. It had not been previously curated by ICSL or reported in the Human Gene Mutation Database (HGMD: prior to June 1st, 2018), and was therefore a candidate for classification through an automated scoring system. Utilizing variant allele frequency, disease prevalence and penetrance estimates, and inheritance mode, an automated score was calculated to assess if this variant is too frequent to cause the disease. Based on the score and internal cut-off values, a variant classified as benign is not then subjected to further curation. The score for this variant resulted in a classification of benign for this disease.

Breakthrough Genomics
Classification: Benign. Review status: criteria provided, single submitter. Criteria: ACMG Guidelines, 2015. Collection method: not provided. Allele origin: germline. Inheritance: Unknown mechanism. Affected: yes.

NM_000103.4(CYP19A1):c.*2467G>A

Genes: PIRC66 (piwi-interacting RNA cluster 66; plus strand), MIR4713HG (MIR4713 host gene; plus strand), CYP19A1 (cytochrome P450 family 19 subfamily A member 1; minus strand). Cytogenetic location: 15q21.2.
Variant type: single nucleotide variant.
Coding change: c.*2467G>A on transcript NM_000103.4 (MANE Select); 2467 bases downstream of the stop codon, G replaced by A.
Molecular consequence: 3 prime UTR variant.
Genome position (GRCh38, 1-based): chr15:51,208,341, C>T on the plus strand (G>A on the coding strand, the complement: CYP19A1 is on the minus strand). VCF-style: chr15-51208341-C-T. GRCh37 (hg19) VCF-style: chr15-51500538-C-T.
Other names: c.*2467G>A (NM_001347248.1, NM_001347249.2, NM_001347250.2 and 7 more transcripts).
Identifiers: ClinVar variation 316442 (VCV000316442.6), dbSNP rs934634, ClinGen allele CA10646235.